The following is an entry in ClinVar:

NM_002470.4(MYH3):c.1005C>T (p.Ser335=)

Gene: MYH3 (myosin heavy chain 3; minus strand). Cytogenetic location: 17p13.1.
Variant type: single nucleotide variant.
Coding change: c.1005C>T on transcript NM_002470.4 (MANE Select); coding-DNA position 1005, C replaced by T.
Protein change: p.Ser335=; no amino-acid change (serine 335 retained).
Molecular consequence: synonymous variant.
Genome position (GRCh38, 1-based): chr17:10,645,843, G>A on the plus strand (C>T on the coding strand, the complement: MYH3 is on the minus strand). VCF-style: chr17-10645843-G-A. GRCh37 (hg19) VCF-style: chr17-10549160-G-A.
Identifiers: ClinVar variation 3350377 (VCV003350377.1).
Genomic context (GRCh38, chr17:10,645,843, plus strand): 5'-TCCCGTCAGCTTGTAGAGCCCAGATTTCTCTTCTGGGGTGAAGCCCAGGATGTCAATGGC[G>A]CTCTGGCATGGAAAGGGCAGCACGTCAGTCAGTTGGCCCCAGTGATGGAGGAGGAACACC-3'
Protein context (NP_002461.2, residues 325-345): DDAEELLATD[Ser335=]AIDILGFTPE

ClinVar aggregate classification (germline): Likely benign (0 of 4 stars; one submission).

Conditions:
MYH3-related disorder. Also called: MYH3-related condition; MYH3-Related Disorders. Identifiers: MedGen CN239329.

gnomAD v4.1: 18 of 1,613,772 alleles (0.0011%); highest among the groups gnomAD compares: Middle Eastern, 0.066%; no homozygotes.

Submission:

PreventionGenetics, part of Exact Sciences
Classification: Likely benign for MYH3-related condition. Last evaluated: 2024-07-30. Review status: no assertion criteria provided. Collection method: clinical testing. Allele origin: germline.
Comment: This variant is classified as likely benign based on ACMG/AMP sequence variant interpretation guidelines (Richards et al. 2015 PMID: 25741868, with internal and published modifications).